The following is an entry in ClinVar:

ClinVar aggregate classification (germline): Likely pathogenic (1 of 4 stars; one submission).

Conditions:
Deficiency of butyryl-CoA dehydrogenase (ACADSD). Also called: ACADS DEFICIENCY; Short-Chain Acyl-CoA Dehydrogenase Deficiency; SCADH DEFICIENCY; SCAD DEFICIENCY, MILD; ACYL-CoA DEHYDROGENASE, SHORT-CHAIN, DEFICIENCY OF; SCAD Deficiency. Identifiers: Orphanet 26792, MedGen C0342783, MONDO:0008722, OMIM 201470. Disease mechanism: May be benign.

Submission:

Labcorp Genetics (formerly Invitae), Labcorp
Classification: Likely pathogenic for Deficiency of butyryl-CoA dehydrogenase. Last evaluated: 2024-02-17. Review status: criteria provided, single submitter. Criteria: Invitae Variant Classification Sherloc (09022015). Collection method: clinical testing. Allele origin: germline.
Comment: This sequence change replaces lysine, which is basic and polar, with asparagine, which is neutral and polar, at codon 313 of the ACADS protein (p.Lys313Asn). This variant is present in population databases (rs781742944, gnomAD 0.007%). This variant has not been reported in the literature in individuals affected with ACADS-related conditions. Advanced modeling of protein sequence and biophysical properties (such as structural, functional, and spatial information, amino acid conservation, physicochemical variation, residue mobility, and thermodynamic stability) performed at Invitae indicates that this missense variant is expected to disrupt ACADS protein function with a positive predictive value of 95%. This variant disrupts the p.Lys313 amino acid residue in ACADS. Other variant(s) that disrupt this residue have been determined to be pathogenic (Invitae). This suggests that this residue is clinically significant, and that variants that disrupt this residue are likely to be disease-causing. In summary, the currently available evidence indicates that the variant is pathogenic, but additional data are needed to prove that conclusively. Therefore, this variant has been classified as Likely Pathogenic.

NM_000017.4(ACADS):c.939G>C (p.Lys313Asn)

Gene: ACADS (acyl-CoA dehydrogenase short chain; plus strand). Cytogenetic location: 12q24.31.
Variant type: single nucleotide variant.
Coding change: c.939G>C on transcript NM_000017.4 (MANE Select); coding-DNA position 939, G replaced by C.
Protein change: p.Lys313Asn; replaces lysine 313 with asparagine.
Molecular consequence: missense variant.
Genome position (GRCh38, 1-based): chr12:120,738,825, G>C. VCF-style: chr12-120738825-G-C. GRCh37 (hg19) VCF-style: chr12-121176628-G-C.
Other names: c.927G>C, p.Lys309Asn (NM_001302554.2); short protein forms K309N, K313N.
Identifiers: ClinVar variation 3641440 (VCV003641440.2).